The following is an entry in ClinVar:

ClinVar aggregate classification (germline): Uncertain significance (1 of 4 stars; one submission).

Submission:

Labcorp Genetics (formerly Invitae), Labcorp
Classification: Uncertain significance. Last evaluated: 2026-01-17. Review status: criteria provided, single submitter. Criteria: Invitae Variant Classification Sherloc (09022015). Collection method: clinical testing. Allele origin: germline.
Comment: This sequence change replaces isoleucine, which is neutral and non-polar, with arginine, which is basic and polar, at codon 444 of the IARS2 protein (p.Ile444Arg). This variant is not present in population databases (gnomAD no frequency). This variant has not been reported in the literature in individuals affected with IARS2-related conditions. An algorithm developed to predict the effect of missense changes on protein structure and function (PolyPhen-2) suggests that this variant is likely to be disruptive. Algorithms developed to predict the effect of sequence changes on RNA splicing suggest that this variant may create or strengthen a splice site. In summary, the available evidence is currently insufficient to determine the role of this variant in disease. Therefore, it has been classified as a Variant of Uncertain Significance.

NM_018060.4(IARS2):c.1331T>G (p.Ile444Arg)

Gene: IARS2 (isoleucyl-tRNA synthetase 2, mitochondrial; plus strand). Cytogenetic location: 1q41.
Variant type: single nucleotide variant.
Coding change: c.1331T>G on transcript NM_018060.4 (MANE Select); coding-DNA position 1331, T replaced by G.
Protein change: p.Ile444Arg; replaces isoleucine 444 with arginine.
Molecular consequence: missense variant.
Genome position (GRCh38, 1-based): chr1:220,110,789, T>G. VCF-style: chr1-220110789-T-G. GRCh37 (hg19) VCF-style: chr1-220284131-T-G.
Other names: short protein forms I444R.
Identifiers: ClinVar variation 4734892 (VCV004734892.1).
Genomic context (GRCh38, chr1:220,110,789, plus strand): 5'-TTAGGATTTTCACAGTACTTTTTAATTATGTCTAATTTGGTGTTTTTTTTTTTAAAGTTA[T>G]AAAGATGCTTCAGACTGCAAAGAATTTGTTGAAAGAGGAGAAATTGGTGCATAGCTATCC-3'
Protein context (NP_060530.3, residues 434-454): AVLEEGTDVV[Ile444Arg]KMLQTAKNLL